The following is an entry in ClinVar:

NM_206933.4(USH2A):c.4627+32137G>T

Gene: USH2A (usherin; minus strand). Cytogenetic location: 1q41.
Variant type: single nucleotide variant.
Coding change: c.4627+32137G>T on transcript NM_206933.4 (MANE Select); 32137 bases into the intron after coding-DNA position 4627, G replaced by T.
Molecular consequence: intron variant.
Genome position (GRCh38, 1-based): chr1:216,143,115, C>A on the plus strand (G>T on the coding strand, the complement: USH2A is on the minus strand). VCF-style: chr1-216143115-C-A. GRCh37 (hg19) VCF-style: chr1-216316457-C-A.
Identifiers: ClinVar variation 3338150 (VCV003338150.1).

ClinVar aggregate classification (germline): Uncertain significance (0 of 4 stars; one submission).

Conditions:
Hearing impairment. Also called: Impaired Hearing. Identifiers: MedGen C1384666, MONDO:0005365, HP:0000365.

gnomAD v4.1: 6 of 152,098 alleles (0.0039%); highest among the groups gnomAD compares: South Asian, 0.021%; no homozygotes.

Submission:

Joint Genome Diagnostic Labs from Nijmegen and Maastricht, Radboudumc and MUMC+
Classification: Uncertain significance for hearing impairment. Review status: no assertion criteria provided. Collection method: clinical testing. Allele origin: germline. Affected: yes.